The following is an entry in ClinVar:

ClinVar aggregate classification (germline): Uncertain significance (1 of 4 stars; one submission).

Conditions:
Cardiovascular phenotype. Identifiers: MedGen CN230736.

Submission:

Ambry Genetics
Classification: Uncertain significance for Cardiovascular phenotype. Last evaluated: 2026-09-11. Review status: criteria provided, single submitter. Criteria: Ambry Variant Classification Scheme 2023. Collection method: clinical testing. Allele origin: germline.
Comment: The p.I906M variant (also known as c.2718A>G), located in coding exon 15 of the DSG2 gene, results from an A to G substitution at nucleotide position 2718. The isoleucine at codon 906 is replaced by methionine, an amino acid with highly similar properties. This amino acid position is conserved. In addition, this alteration is predicted to be tolerated by in silico analysis. Based on the available evidence, the clinical significance of this variant remains unclear.

NM_001943.5(DSG2):c.2718A>G (p.Ile906Met)

Genes: DSG2 (desmoglein 2; plus strand), DSG2-AS1 (DSG2 antisense RNA 1; minus strand). Cytogenetic location: 18q12.1.
Variant type: single nucleotide variant.
Coding change: c.2718A>G on transcript NM_001943.5 (MANE Select); coding-DNA position 2718, A replaced by G.
Protein change: p.Ile906Met; replaces isoleucine 906 with methionine.
Molecular consequence: missense variant.
Genome position (GRCh38, 1-based): chr18:31,546,104, A>G. VCF-style: chr18-31546104-A-G. GRCh37 (hg19) VCF-style: chr18-29126067-A-G.
Other names: short protein forms I906M.
Identifiers: ClinVar variation 3505430 (VCV003505430.2).